The following is an entry in ClinVar:

NM_014362.4(HIBCH):c.958A>G (p.Lys320Glu)

Gene: HIBCH (3-hydroxyisobutyryl-CoA hydrolase; minus strand). Cytogenetic location: 2q32.2.
Variant type: single nucleotide variant.
Coding change: c.958A>G on transcript NM_014362.4 (MANE Select); coding-DNA position 958, A replaced by G.
Protein change: p.Lys320Glu; replaces lysine 320 with glutamic acid.
Molecular consequence: missense variant.
Genome position (GRCh38, 1-based): chr2:190,213,009, T>C on the plus strand (A>G on the coding strand, the complement: HIBCH is on the minus strand). VCF-style: chr2-190213009-T-C. GRCh37 (hg19) VCF-style: chr2-191077735-T-C.
Other names: c.958A>G, p.Lys320Glu (NM_198047.3); short protein forms K320E.
Identifiers: ClinVar variation 1802988 (VCV001802988.2), dbSNP rs750514913, ClinGen allele CA349894306.

ClinVar aggregate classification (germline): Uncertain significance. Review status: criteria provided, multiple submitters, no conflicts (2 of 4 stars). 2 submissions from 2 submitters: Uncertain significance (2). Last evaluated 2025-07-29.

Conditions:
3-hydroxyisobutyryl-CoA hydrolase deficiency. Also called: Reduced circulating 3-hydroxyisobutyryl-CoA hydrolase activity; Deficiency of 3-hydroxyisobutyryl CoA hydrolase; HIBCH DEFICIENCY; METHACRYLIC ACID TOXICITY; METHACRYLIC ACIDURIA; VALINE METABOLIC DEFECT. Identifiers: Orphanet 88639, MedGen C0342738, MONDO:0009603, OMIM 250620, HP:6000215.

gnomAD v4.1: 4 of 1,610,716 alleles (0.00025%); highest among the groups gnomAD compares: East Asian, 0.0022%; no homozygotes.

Submissions (2):

Labcorp Genetics (formerly Invitae), Labcorp
Classification: Uncertain significance for 3-hydroxyisobutyryl-CoA hydrolase deficiency. Last evaluated: 2025-07-29. Review status: criteria provided, single submitter. Criteria: Invitae Variant Classification Sherloc (09022015). Collection method: clinical testing. Allele origin: germline.
Comment: This sequence change replaces lysine, which is basic and polar, with glutamic acid, which is acidic and polar, at codon 320 of the HIBCH protein (p.Lys320Glu). This variant is present in population databases (no rsID available, gnomAD 0.06%). This missense change has been observed in individual(s) with 3-hydroxyisobutyryl-CoA hydrolase deficiency (PMID: 30111474). In at least one individual the data is consistent with being in trans (on the opposite chromosome) from a pathogenic variant. ClinVar contains an entry for this variant (Variation ID: 1802988). Invitae Evidence Modeling of protein sequence and biophysical properties (such as structural, functional, and spatial information, amino acid conservation, physicochemical variation, residue mobility, and thermodynamic stability) indicates that this missense variant is not expected to disrupt HIBCH protein function with a negative predictive value of 80%. In summary, the available evidence is currently insufficient to determine the role of this variant in disease. Therefore, it has been classified as a Variant of Uncertain Significance.

Pediatric Department, Xiangya Hospital, Central South University
Classification: Uncertain significance for 3-hydroxyisobutyryl-CoA hydrolase deficiency. Review status: criteria provided, single submitter. Criteria: ACMG Guidelines, 2015. Collection method: clinical testing. Allele origin: maternal. Inheritance: Autosomal recessive inheritance. Affected: yes. Observed: 2 compound heterozygotes. Clinical features observed: Developmental regression, myoclonus, Feeding difficulties, Abnormal basal ganglia MRI signal intensity.
Comment: This variant was observed in compound heterozygosity with variant (c.439-2A>G)

Literature cited by the submitters: PubMed 30111474 (cited by Labcorp Genetics (formerly Invitae), Labcorp).